The following is an entry in ClinVar:

ClinVar aggregate classification (germline): Pathogenic. Review status: criteria provided, multiple submitters, no conflicts (2 of 4 stars). 4 submissions from 4 submitters: Pathogenic (4). Last evaluated 2025-07-11.

Conditions:
Cardiovascular phenotype. Identifiers: MedGen CN230736.
Telangiectasia, hereditary hemorrhagic, type 2 (HHT2). Also called: ACVRL1-Related Hereditary Hemorrhagic Telangiectasia; Telangiectasia, hereditary hemorrhagic, type II. Identifiers: Orphanet 774, MedGen C1838163, MONDO:0010880, OMIM 600376. Disease mechanism: loss of function.

Submissions (4):

ARUP Laboratories, Molecular Genetics and Genomics, ARUP Laboratories
Classification: Pathogenic for Telangiectasia, hereditary hemorrhagic, type 2. Last evaluated: 2025-07-11. Review status: criteria provided, single submitter. Criteria: ARUP Molecular Germline Variant Investigation Process 2024. Collection method: clinical testing. Allele origin: germline.
Comment: The ACVRL1 c.139_140insCG; p.Arg47ProfsTer8 variant (rs1555152455, ClinVar Variation ID: 503681) is reported in the literature in a family meeting Curacao diagnostic criteria for hemorrhagic telangiectasia (Torring 2014). This variant is absent from the Genome Aggregation Database (v2.1.1), indicating that it is not a common polymorphism. This variant causes a frameshift by inserting two nucleotides, so it is predicted to result in a truncated protein or mRNA subject to nonsense-mediated decay. Based on available information, this variant is considered to be pathogenic. References: Torring PM et al. National mutation study among Danish patients with hereditary haemorrhagic telangiectasia. Clin Genet. 2014 Aug;86(2):123-33. PMID: 24001356.

Labcorp Genetics (formerly Invitae), Labcorp
Classification: Pathogenic for Telangiectasia, hereditary hemorrhagic, type 2. Last evaluated: 2023-05-01. Review status: criteria provided, single submitter. Criteria: Invitae Variant Classification Sherloc (09022015). Collection method: clinical testing. Allele origin: germline.
Comment: For these reasons, this variant has been classified as Pathogenic. ClinVar contains an entry for this variant (Variation ID: 503681). This premature translational stop signal has been observed in individual(s) with hereditary hemorrhagic telangiectasia (HHT) (PMID: 24001356). This variant is not present in population databases (gnomAD no frequency). This sequence change creates a premature translational stop signal (p.Arg47Profs*8) in the ACVRL1 gene. It is expected to result in an absent or disrupted protein product. Loss-of-function variants in ACVRL1 are known to be pathogenic (PMID: 15879500).

Ambry Genetics
Classification: Pathogenic for Cardiovascular phenotype. Last evaluated: 2022-05-31. Review status: criteria provided, single submitter. Criteria: Ambry Variant Classification Scheme 2023. Collection method: clinical testing. Allele origin: germline.
Comment: The c.139_140insCG pathogenic mutation, located in coding exon 2 of the ACVRL1 gene, results from an insertion of two nucleotides at position 139, causing a translational frameshift with a predicted alternate stop codon (p.R47Pfs*8). This mutation was identified in three individuals from one family with epistaxis, telangiectasias, and gastrointestinal telangiectasias/bleeding (T&oslash;rring PM et al. Clin. Genet., 2014 Aug;86:123-33). This variant is considered to be rare based on population cohorts in the Genome Aggregation Database (gnomAD). In addition, this alteration is expected to result in loss of function by premature protein truncation or nonsense-mediated mRNA decay. As such, this alteration is interpreted as a disease-causing mutation.

GeneDx
Classification: Pathogenic. Last evaluated: 2018-02-28. Review status: criteria provided, single submitter. Criteria: GeneDx Variant Classification (06012015). Collection method: clinical testing. Allele origin: germline. Affected: yes.
Comment: The c.139_140insCG pathogenic variant in the ACVRL1 gene has been identified in six members of a Danish family with HHT, where three members were clinically diagnosed with HHT per Curacao criteria, and three members were diagnosed with HHT as a result of genetic testing (Torring et al., 2014). This variant causes a shift in reading frame starting at codon arginine 47, changing it to a proline, and creating a premature stop codon at position 8 of the new reading frame, denoted p.Arg47ProfsX8. This pathogenic variant is expected to result in either an abnormal, truncated protein product or loss of protein from this allele through nonsense-mediated mRNA decay. Several other frameshift variants in the ACVRL1 gene have been reported in the Human Gene Mutation Database in association with HHT (Stenson et al., 2014), indicating that loss of function is a mechanism of disease for this gene. Furthermore, the c.139_140insCG variant has not been observed in large population cohorts (Lek et al., 2016).

Literature cited by the submitters: PubMed 24001356 (cited by Labcorp Genetics (formerly Invitae), Labcorp and Ambry Genetics); PubMed 15879500 (cited by Labcorp Genetics (formerly Invitae), Labcorp).

NM_000020.3(ACVRL1):c.139_140insCG (p.Arg47fs)

Gene: ACVRL1 (activin A receptor like type 1; plus strand). Cytogenetic location: 12q13.13.
Variant type: Insertion.
Coding change: c.139_140insCG on transcript NM_000020.3 (MANE Select); coding-DNA positions 139 to 140, CG inserted.
Protein change: p.Arg47fs; shifts the reading frame from arginine 47.
Molecular consequence: frameshift variant.
Genome position: GRCh38 VCF-style: chr12-51913176-C-CCG. GRCh37 (hg19) VCF-style: chr12-52306960-C-CCG.
Other names: c.139_140insCG, p.Arg47fs (NM_001077401.2); short protein forms R47fs.
Identifiers: ClinVar variation 503681 (VCV000503681.8), dbSNP rs1555152455, ClinGen allele CA658797915.
Genomic context (GRCh38, chr12:51,913,176, plus strand): 5'-TCTCGGGGCCCGCTGGTGACCTGCACGTGTGAGAGCCCACATTGCAAGGGGCCTACCTGC[C>CCG]GGGGGGCCTGGTGCACAGTAGTGCTGGTGCGGGAGGAGGGGAGGCACCCCCAGGAACATC-3'